The following is an entry in ClinVar:

NM_002471.4(MYH6):c.3346C>G (p.Arg1116Gly)

Gene: MYH6 (myosin heavy chain 6; minus strand). Cytogenetic location: 14q11.2.
Variant type: single nucleotide variant.
Coding change: c.3346C>G on transcript NM_002471.4 (MANE Select); coding-DNA position 3346, C replaced by G.
Protein change: p.Arg1116Gly; replaces arginine 1116 with glycine.
Molecular consequence: missense variant.
Genome position (GRCh38, 1-based): chr14:23,390,443, G>C on the plus strand (C>G on the coding strand, the complement: MYH6 is on the minus strand). VCF-style: chr14-23390443-G-C. GRCh37 (hg19) VCF-style: chr14-23859652-G-C.
Other names: short protein forms R1116G.
Identifiers: ClinVar variation 1730462 (VCV001730462.2), dbSNP rs372446459, ClinGen allele CA389006762.
Genomic context (GRCh38, chr14:23,390,443, plus strand): 5'-TCTCCACCTTAGCCCTGGCGGTGCGCTCGGCCTCCAGCTCCTCCTCCAGCTCCTCGATGC[G>C]TGCCTGGGTCAGACACAAAGGGCTCAGACCCACCGCCTGGACCCCTCCACTGGAATCCCC-3'
Protein context (NP_002462.2, residues 1106-1126): LQKKLKENQA[Arg1116Gly]IEELEEELEA

ClinVar aggregate classification (germline): Uncertain significance (1 of 4 stars; one submission).

Conditions:
Cardiovascular phenotype. Identifiers: MedGen CN230736.

gnomAD v4.1: 2 of 1,612,756 alleles (0.00012%); highest among the groups gnomAD compares: Non-Finnish European, 0.000085%; no homozygotes.

Submission:

Ambry Genetics
Classification: Uncertain significance for Cardiovascular phenotype. Last evaluated: 2020-12-02. Review status: criteria provided, single submitter. Criteria: Ambry Variant Classification Scheme 2023. Collection method: clinical testing. Allele origin: germline.
Comment: The p.R1116G variant (also known as c.3346C>G), located in coding exon 24 of the MYH6 gene, results from a C to G substitution at nucleotide position 3346. The arginine at codon 1116 is replaced by glycine, an amino acid with dissimilar properties. This amino acid position is highly conserved in available vertebrate species. In addition, this alteration is predicted to be deleterious by in silico analysis. Since supporting evidence is limited at this time, the clinical significance of this alteration remains unclear.